The following is an entry in ClinVar:

ClinVar aggregate classification (germline): Benign. Review status: criteria provided, multiple submitters, no conflicts (2 of 4 stars). 4 submissions from 4 submitters: Benign (4). Last evaluated 2024-07-15.

Conditions:
Developmental and epileptic encephalopathy 94 (DEE94). Also called: Epileptic encephalopathy, childhood-onset; CHD2-Related Neurodevelopmental Disorders. Identifiers: Orphanet 1942, Orphanet 2382, MedGen C3809278, MONDO:0014150, OMIM 615369.

Allele frequency attached by ClinVar (database versions not stated): 1000 Genomes Project 30x 0.08620; 1000 Genomes Project 0.08726; gnomAD 0.16840 and 0.17303; TOPMed 0.17168; gnomAD exomes 0.22497.
gnomAD v4.1: 289,402 of 1,326,890 alleles (22%); highest among the groups gnomAD compares: Non-Finnish European, 26%; 36,279 homozygotes.

Submissions (4):

Unidad de Genómica Garrahan, Hospital de Pediatría Garrahan
Classification: Benign. Last evaluated: 2024-07-15. Review status: criteria provided, single submitter. Criteria: ACMG Guidelines, 2015. Collection method: clinical testing. Allele origin: germline. Affected: no. Observed: 32 variant alleles.
Comment: This variant is classified as Benign based on local population frequency. This variant was detected in 34% of patients studied in a panel designed for Epileptic and Developmental Encephalopathy and Progressive Myoclonus Epilepsy. Number of patients: 32. Only high quality variants are reported.

Genome-Nilou Lab
Classification: Benign for Developmental and epileptic encephalopathy 94. Last evaluated: 2021-07-22. Review status: criteria provided, single submitter. Criteria: ACMG Guidelines, 2015. Collection method: clinical testing. Allele origin: germline. Affected: no.

GeneDx
Classification: Benign. Last evaluated: 2018-06-18. Review status: criteria provided, single submitter. Criteria: GeneDx Variant Classification (06012015). Collection method: clinical testing. Allele origin: germline. Affected: yes.
Comment: This variant is considered likely benign or benign based on one or more of the following criteria: it is a conservative change, it occurs at a poorly conserved position in the protein, it is predicted to be benign by multiple in silico algorithms, and/or has population frequency not consistent with disease.

Breakthrough Genomics
Classification: Benign. Review status: criteria provided, single submitter. Criteria: ACMG Guidelines, 2015. Collection method: not provided. Allele origin: germline. Inheritance: Autosomal dominant inheritance. Affected: yes.

NM_001271.4(CHD2):c.5154-75C>T

Gene: CHD2 (chromodomain helicase DNA binding protein 2; plus strand). Cytogenetic location: 15q26.1.
Variant type: single nucleotide variant.
Coding change: c.5154-75C>T on transcript NM_001271.4 (MANE Select); 75 bases into the intron before coding-DNA position 5154, C replaced by T.
Molecular consequence: intron variant.
Genome position (GRCh38, 1-based): chr15:93,024,297, C>T. VCF-style: chr15-93024297-C-T. GRCh37 (hg19) VCF-style: chr15-93567527-C-T.
Identifiers: ClinVar variation 680101 (VCV000680101.6), dbSNP rs12905032, ClinGen allele CA14174340.
Genomic context (GRCh38, chr15:93,024,297, plus strand): 5'-ATTTTTTTGATTCCTAATAATGTGAGCATTTGTCCTTGAATATGAGTATATGAGGAAGAG[C>T]CAAGTGGGTAGTGAAGAGAAGTGGATGGGAATCTGGCTTCAGTCTTTCGACTAATCCTTG-3'